The following is an entry in ClinVar:

NM_001371623.1(TCOF1):c.1073C>A (p.Ala358Asp)

Gene: TCOF1 (treacle ribosome biogenesis factor 1; plus strand). Cytogenetic location: 5q32.
Variant type: single nucleotide variant.
Coding change: c.1073C>A on transcript NM_001371623.1 (MANE Select); coding-DNA position 1073, C replaced by A.
Protein change: p.Ala358Asp; replaces alanine 358 with aspartic acid.
Molecular consequence: missense variant.
Genome position (GRCh38, 1-based): chr5:150,374,376, C>A. VCF-style: chr5-150374376-C-A. GRCh37 (hg19) VCF-style: chr5-149753939-C-A.
Other names: c.842C>A, p.Ala281Asp (NM_000356.4, NM_001135245.2); c.1073C>A, p.Ala358Asp (NM_001008657.3, NM_001135243.2, NM_001135244.2 and 1 more transcripts); short protein forms A281D, A358D.
Identifiers: ClinVar variation 1986222 (VCV001986222.4), dbSNP rs931860982, ClinGen allele CA361743411.

ClinVar aggregate classification (germline): Uncertain significance (1 of 4 stars; one submission).

Conditions:
Treacher Collins syndrome 1 (TCS1). Also called: TCOF1-Related Treacher Collins Syndrome. Identifiers: Orphanet 861, MedGen CN315775, MONDO:0007944, OMIM 154500.

gnomAD v4.1: 13 of 1,553,970 alleles (0.00084%); highest among the groups gnomAD compares: African/African-American, 0.0014%; no homozygotes.

Submission:

Labcorp Genetics (formerly Invitae), Labcorp
Classification: Uncertain significance for Treacher Collins syndrome 1. Last evaluated: 2022-09-27. Review status: criteria provided, single submitter. Criteria: Invitae Variant Classification Sherloc (09022015). Collection method: clinical testing. Allele origin: germline.
Comment: In summary, the available evidence is currently insufficient to determine the role of this variant in disease. Therefore, it has been classified as a Variant of Uncertain Significance. Advanced modeling of protein sequence and biophysical properties (such as structural, functional, and spatial information, amino acid conservation, physicochemical variation, residue mobility, and thermodynamic stability) performed at Invitae indicates that this missense variant is not expected to disrupt TCOF1 protein function. This variant has not been reported in the literature in individuals affected with TCOF1-related conditions. This variant is present in population databases (no rsID available, gnomAD 0.003%). This sequence change replaces alanine, which is neutral and non-polar, with aspartic acid, which is acidic and polar, at codon 358 of the TCOF1 protein (p.Ala358Asp).